The following is an entry in ClinVar:

NM_025243.4(SLC19A3):c.958G>T (p.Glu320Ter)

Gene: SLC19A3 (solute carrier family 19 member 3; minus strand). Cytogenetic location: 2q36.3.
Variant type: single nucleotide variant.
Coding change: c.958G>T on transcript NM_025243.4 (MANE Select); coding-DNA position 958, G replaced by T.
Protein change: p.Glu320Ter; replaces glutamic acid 320 with a stop codon.
Molecular consequence: nonsense.
Genome position (GRCh38, 1-based): chr2:227,698,757, C>A on the plus strand (G>T on the coding strand, the complement: SLC19A3 is on the minus strand). VCF-style: chr2-227698757-C-A. GRCh37 (hg19) VCF-style: chr2-228563473-C-A.
Other names: p.Glu320*; c.958G>T, p.Glu320Ter (NM_001371411.1, NM_001371412.1); c.946G>T, p.Glu316Ter (NM_001371413.1, NM_001371414.1); short protein forms E316*, E320*.
Identifiers: ClinVar variation 4540820 (VCV004540820.1).

ClinVar aggregate classification (germline): Likely pathogenic (1 of 4 stars; one submission).

gnomAD v4.1: 2 of 1,613,778 alleles (0.00012%); highest among the groups gnomAD compares: African/African-American, 0.0013%; no homozygotes.

Submission:

Mayo Clinic Laboratories, Mayo Clinic
Classification: Likely pathogenic. Last evaluated: 2025-09-05. Review status: criteria provided, single submitter. Criteria: ACMG Guidelines, 2015. Collection method: clinical testing. Allele origin: germline. Observed: 1 variant allele.
Comment: PM2_supporting, PVS1